The following is an entry in ClinVar:

NM_015512.5(DNAH1):c.12286C>T (p.Arg4096Cys)

Gene: DNAH1 (dynein axonemal heavy chain 1; plus strand). Cytogenetic location: 3p21.1.
Variant type: single nucleotide variant.
Coding change: c.12286C>T on transcript NM_015512.5 (MANE Select); coding-DNA position 12286, C replaced by T.
Protein change: p.Arg4096Cys; replaces arginine 4096 with cysteine.
Molecular consequence: missense variant.
Genome position (GRCh38, 1-based): chr3:52,399,046, C>T. VCF-style: chr3-52399046-C-T. GRCh37 (hg19) VCF-style: chr3-52433062-C-T.
Other names: short protein forms R4096C.
Identifiers: ClinVar variation 578848 (VCV000578848.7), dbSNP rs375547860, ClinGen allele CA2436447.
Genomic context (GRCh38, chr3:52,399,046, plus strand): 5'-AGTGCCAAGGCCTACCCATCGCTCAAGCCTCTGTCATCATGGGTCATGGACCTGCTGCAA[C>T]GCCTGGACTTTCTGCAGGCCTGGATCCAAGATGGCATCCCAGCTGTCTTCTGGATCAGTG-3'
Protein context (NP_056327.4, residues 4086-4106): LSSWVMDLLQ[Arg4096Cys]LDFLQAWIQD

ClinVar aggregate classification (germline): Uncertain significance. Review status: criteria provided, multiple submitters, no conflicts (2 of 4 stars). 2 submissions from 2 submitters: Uncertain significance (2). Last evaluated 2025-09-22.

Conditions:
Spermatogenic failure 18. Identifiers: MedGen C4539783, MONDO:0054615, OMIM 617576.
Ciliary dyskinesia, primary, 37 (CILD37). Also called: CILIARY DYSKINESIA, PRIMARY, 37, WITH OR WITHOUT SITUS INVERSUS. Identifiers: MedGen C4539798, MONDO:0033204, OMIM 617577.

Allele frequency attached by ClinVar (database versions not stated): gnomAD 0.00001; gnomAD exomes 0.00002 and 0.00001; ESP Exome Variant Server 0.00008; ExAC 0.00002; TOPMed 0.00003.
gnomAD v4.1: 28 of 1,613,948 alleles (0.0017%); highest among the groups gnomAD compares: East Asian, 0.022%; no homozygotes.

Submissions (2):

Labcorp Genetics (formerly Invitae), Labcorp
Classification: Uncertain significance for Ciliary dyskinesia, primary, 37; Spermatogenic failure 18. Last evaluated: 2025-09-22. Review status: criteria provided, single submitter. Criteria: Invitae Variant Classification Sherloc (09022015). Collection method: clinical testing. Allele origin: germline.
Comment: This sequence change replaces arginine, which is basic and polar, with cysteine, which is neutral and slightly polar, at codon 4096 of the DNAH1 protein (p.Arg4096Cys). This variant is present in population databases (rs375547860, gnomAD 0.002%). This missense change has been observed in individual(s) with multiple morphological abnormalities of the sperm flagella (PMID: 31676830). ClinVar contains an entry for this variant (Variation ID: 578848). Invitae Evidence Modeling of protein sequence and biophysical properties (such as structural, functional, and spatial information, amino acid conservation, physicochemical variation, residue mobility, and thermodynamic stability) indicates that this missense variant is expected to disrupt DNAH1 protein function with a positive predictive value of 80%. This variant disrupts the p.Arg4096 amino acid residue in DNAH1. Other variant(s) that disrupt this residue have been observed in individuals with DNAH1-related conditions (PMID: 33929677), which suggests that this may be a clinically significant amino acid residue. In summary, the available evidence is currently insufficient to determine the role of this variant in disease. Therefore, it has been classified as a Variant of Uncertain Significance.

ARUP Laboratories, Molecular Genetics and Genomics, ARUP Laboratories
Classification: Uncertain significance. Last evaluated: 2024-05-20. Review status: criteria provided, single submitter. Criteria: ARUP Molecular Germline Variant Investigation Process 2024. Collection method: clinical testing. Allele origin: germline.
Comment: The DNAH1 c.12286C>T; p.Arg4096Cys variant (rs375547860; ClinVar Variation ID: 578848) is reported in the literature in an individual affected with primary infertility due to multiple morphological abnormalities of the sperm flagella (MMAF; Tu 2019). This variant is only observed on three alleles in the Genome Aggregation Database (v2.1.1), indicating it is not a common polymorphism. Computational analyses are uncertain whether this variant is neutral or deleterious (REVEL: 0.444). Additionally, other variants at this codon (c.12287G>A; p.Arg4096His, c.12287G>T; p.Arg4096Leu) have been reported in individuals with MMAF and who also carried additional pathogenic variants in DNAH1 (Yu 2021). However, given the lack of clinical and functional data, the significance of the p.Arg4096Cys variant is uncertain at this time. References: Tu C et al. Identification of DNAH6 mutations in infertile men with multiple morphological abnormalities of the sperm flagella. Sci Rep. 2019 Nov 1;9(1):15864. PMID: 31676830 Yu W et al. Mutational landscape of DNAH1 in Chinese patients with multiple morphological abnormalities of the sperm flagella: cohort study and literature review. J Assist Reprod Genet. 2021 Aug;38(8):2031-2038. PMID: 33929677

Literature cited by the submitters: PubMed 31676830 (cited by Labcorp Genetics (formerly Invitae), Labcorp); PubMed 33929677 (cited by Labcorp Genetics (formerly Invitae), Labcorp).